The following is an entry in ClinVar:

NM_017849.4(TMEM127):c.208G>A (p.Asp70Asn)

Gene: TMEM127 (transmembrane protein 127; minus strand). Cytogenetic location: 2q11.2.
Variant type: single nucleotide variant.
Coding change: c.208G>A on transcript NM_017849.4 (MANE Select); coding-DNA position 208, G replaced by A.
Protein change: p.Asp70Asn; replaces aspartic acid 70 with asparagine.
Molecular consequence: missense variant.
Genome position (GRCh38, 1-based): chr2:96,265,174, C>T on the plus strand (G>A on the coding strand, the complement: TMEM127 is on the minus strand). VCF-style: chr2-96265174-C-T. GRCh37 (hg19) VCF-style: chr2-96930912-C-T.
Other names: c.208G>A, p.Asp70Asn (NM_001193304.3); short protein forms D70N.
Identifiers: ClinVar variation 126964 (VCV000126964.23), dbSNP rs121908819, ClinGen allele CA269740.
Genomic context (GRCh38, chr2:96,265,174, plus strand): 5'-AGGGCCAGCGCGCAGCACCCTCACCTTTCAGCAGGTCCGGGTGCACATAGCCCAACACGT[C>T]GGAGACCCCCAGCTCCTGGCGCGAACAGGTGCCTCCGTGGATGTGCAACCAGGCGGGCTC-3'
Protein context (NP_060319.1, residues 60-80): TCSRQELGVS[Asp70Asn]VLGYVHPDLL

ClinVar aggregate classification (germline): Benign/Likely benign. Review status: criteria provided, multiple submitters, no conflicts (2 of 4 stars). 9 submissions from 9 submitters: Benign (2); Likely benign (5). 2 of the submissions do not count toward it. Last evaluated 2026-02-04.

Conditions:
TMEM127-related disorder. Also called: TMEM127-related condition.
Hereditary cancer-predisposing syndrome. Also called: Hereditary neoplastic syndrome; Hereditary Cancer Syndrome; Neoplastic Syndromes, Hereditary; Tumor predisposition. Identifiers: Orphanet 140162, MedGen C0027672, MeSH D009386, MONDO:0015356.
Hereditary pheochromocytoma and paraganglioma. Also called: Hereditary Paraganglioma-Pheochromocytoma Syndromes; Hereditary paragangliomas and pheochromocytomas; Hereditary pheochromocytoma-paraganglioma. Identifiers: Orphanet 29072, MedGen C4274332, MONDO:0017366.
Pheochromocytoma. Also called: MAX-Related Hereditary Paraganglioma-Pheochromocytoma Syndrome. Identifiers: Orphanet 29072, MedGen C0031511, MONDO:0008233, OMIM 171300, HP:0002666.

Allele frequency attached by ClinVar (database versions not stated): gnomAD exomes 0.00007 and 0.00020; ExAC 0.00039; ESP Exome Variant Server 0.00054; gnomAD 0.00070 and 0.00073; TOPMed 0.00071; 1000 Genomes Project 30x 0.00094; 1000 Genomes Project 0.00100.
gnomAD v4.1: 215 of 1,611,112 alleles (0.013%); highest among the groups gnomAD compares: African/African-American, 0.25%; 1 homozygote.

Submissions (9):

Labcorp Genetics (formerly Invitae), Labcorp
Classification: Benign for Hereditary pheochromocytoma and paraganglioma. Last evaluated: 2026-02-04. Review status: criteria provided, single submitter. Criteria: Invitae Variant Classification Sherloc (09022015). Collection method: clinical testing. Allele origin: germline.

Quest Diagnostics Nichols Institute San Juan Capistrano
Classification: Benign. Last evaluated: 2022-10-14. Review status: criteria provided, single submitter. Criteria: Quest Diagnostics criteria. Collection method: clinical testing. Allele origin: unknown.

Women's Health and Genetics/Laboratory Corporation of America, LabCorp
Classification: Likely benign. Last evaluated: 2021-05-19. Review status: criteria provided, single submitter. Criteria: LabCorp Variant Classification Summary - May 2015. Collection method: clinical testing. Allele origin: germline.
Comment: Variant summary: TMEM127 c.208G>A (p.Asp70Asn) results in a conservative amino acid change in the encoded protein sequence. Four of five in-silico tools predict a benign effect of the variant on protein function. The variant allele was found at a frequency of 0.0002 in 240004 control chromosomes, predominantly at a frequency of 0.0031 within the African or African-American subpopulation in the gnomAD database. The observed variant frequency within African or African-American control individuals in the gnomAD database is approximately well above the estimated maximal expected allele frequency for a pathogenic variant in TMEM127 causing Hereditary Paraganglioma-Pheochromocytoma Syndrome phenotype (3.1e-07), strongly suggesting that the variant is a benign polymorphism found primarily in populations of African or African-American origin. c.208G>A has been reported in the literature in individuals affected with pheochromocytomas and/or paragangliomas and renal cell carcinoma, without strong evidence for causality (Yao_2010, Qin_2014). These reports do not provide unequivocal conclusions about association of the variant with Hereditary Paraganglioma-Pheochromocytoma Syndrome. To our knowledge, no experimental evidence demonstrating an impact on protein function has been reported. Two clinical diagnostic laboratories have submitted clinical-significance assessments for this variant to ClinVar after 2014 without evidence for independent evaluation. All laboratories classified the variant as benign/likely benign. Based on the evidence outlined above, the variant was classified as likely benign.

Sema4
Classification: Likely benign for Hereditary cancer-predisposing syndrome. Last evaluated: 2021-01-26. Review status: criteria provided, single submitter. Criteria: Sema4 Curation Guidelines. Collection method: curation. Allele origin: germline.

GeneDx
Classification: Likely benign. Last evaluated: 2018-11-08. Review status: criteria provided, single submitter. Criteria: GeneDx Variant Classification Process June 2021. Collection method: clinical testing. Allele origin: germline. Affected: yes.
Comment: This variant is associated with the following publications: (PMID: 28646318, 21156949, 24334765)

Ambry Genetics
Classification: Likely benign for Hereditary cancer-predisposing syndrome. Last evaluated: 2018-06-05. Review status: criteria provided, single submitter. Criteria: Ambry Variant Classification Scheme 2023. Collection method: clinical testing. Allele origin: germline.

Breakthrough Genomics
Classification: Likely benign. Review status: criteria provided, single submitter. Criteria: ACMG Guidelines, 2015. Collection method: not provided. Allele origin: germline. Inheritance: Autosomal dominant inheritance. Affected: yes.

PreventionGenetics, part of Exact Sciences
Classification: Likely benign for TMEM127-related condition. Last evaluated: 2022-04-15. Review status: no assertion criteria provided. Collection method: clinical testing. Allele origin: germline. Not counted in ClinVar's aggregate classification.
Comment: This variant is classified as likely benign based on ACMG/AMP sequence variant interpretation guidelines (Richards et al. 2015 PMID: 25741868, with internal and published modifications).

Familial Cancer Clinic, Veneto Institute of Oncology
Classification: Likely pathogenic for Pheochromocytoma. Review status: no assertion criteria provided. Collection method: not provided. Allele origin: somatic. Not counted in ClinVar's aggregate classification.
ClinVar note: Converted during submission from likely pathogenic - adrenal pheochromocytoma to Likely pathogenic.

Literature cited by the submitters: PubMed 21156949 (cited by 4 submitters); PubMed 24334765 (cited by 4 submitters); PubMed 33051659 (cited by Quest Diagnostics Nichols Institute San Juan Capistrano and Women's Health and Genetics/Laboratory Corporation of America, LabCorp); PubMed 25389632 (cited by Quest Diagnostics Nichols Institute San Juan Capistrano and Women's Health and Genetics/Laboratory Corporation of America, LabCorp).